The following is an entry in ClinVar:

ClinVar aggregate classification (germline): Uncertain significance (1 of 4 stars; one submission).

Submission:

Ambry Genetics
Classification: Uncertain significance. Last evaluated: 2024-04-05. Review status: criteria provided, single submitter. Criteria: Ambry Variant Classification Scheme 2023. Collection method: clinical testing. Allele origin: germline.
Comment: The p.H1298R variant (also known as c.3893A>G), located in coding exon 4 of the ALPK2 gene, results from an A to G substitution at nucleotide position 3893. The histidine at codon 1298 is replaced by arginine, an amino acid with highly similar properties. This amino acid position is conserved. In addition, this alteration is predicted to be tolerated by in silico analysis. Based on the available evidence, the clinical significance of this variant remains unclear.

NM_052947.4(ALPK2):c.3893A>G (p.His1298Arg)

Genes: ALPK2 (alpha kinase 2; minus strand), LOC126862764 (BRD4-independent group 4 enhancer GRCh37_chr18:56202574-56203773; plus strand). Cytogenetic location: 18q21.31.
Variant type: single nucleotide variant.
Coding change: c.3893A>G on transcript NM_052947.4 (MANE Select); coding-DNA position 3893, A replaced by G.
Protein change: p.His1298Arg; replaces histidine 1298 with arginine.
Molecular consequence: missense variant.
Genome position (GRCh38, 1-based): chr18:58,536,294, T>C on the plus strand (A>G on the coding strand, the complement: ALPK2 is on the minus strand). VCF-style: chr18-58536294-T-C. GRCh37 (hg19) VCF-style: chr18-56203526-T-C.
Other names: short protein forms H1298R.
Identifiers: ClinVar variation 3289958 (VCV003289958.1).
Genomic context (GRCh38, chr18:58,536,294, plus strand): 5'-TCTTCGCCTTTATGGCTTTCTCTGCTATCAGCAAGGGCTGACTCAGCATCCTCTGGACTG[T>C]GAGCCAATGCTGCTATTTCAGAGGGGGCCAATTCAGGCACAACAGCATCTGCCTTTAGAC-3'
Protein context (NP_443179.3, residues 1288-1308): LAPSEIAALA[His1298Arg]SPEDAESALA